The following is an entry in ClinVar:

NM_021939.4(FKBP10):c.1002C>A (p.Cys334Ter)

Gene: FKBP10 (FKBP prolyl isomerase 10; plus strand). Cytogenetic location: 17q21.2.
Variant type: single nucleotide variant.
Coding change: c.1002C>A on transcript NM_021939.4 (MANE Select); coding-DNA position 1002, C replaced by A.
Protein change: p.Cys334Ter; replaces cysteine 334 with a stop codon.
Molecular consequence: nonsense.
Genome position (GRCh38, 1-based): chr17:41,819,614, C>A. VCF-style: chr17-41819614-C-A. GRCh37 (hg19) VCF-style: chr17-39975866-C-A.
Other names: short protein forms C334*.
Identifiers: ClinVar variation 4291703 (VCV004291703.1).

ClinVar aggregate classification (germline): Pathogenic (1 of 4 stars; one submission).

Conditions:
Osteogenesis imperfecta type 11. Also called: OI, TYPE XI; Osteogenesis imperfecta, type XI. Identifiers: Orphanet 666, MedGen C3151218, MONDO:0012592, OMIM 610968.

Submission:

3billion
Classification: Pathogenic for Osteogenesis imperfecta type 11. Last evaluated: 2025-04-02. Review status: criteria provided, single submitter. Criteria: ACMG Guidelines, 2015. Collection method: clinical testing. Allele origin: germline. Affected: yes.
Comment: The variant is not observed in the gnomAD v4.1.0 dataset. Predicted Consequence/Location:Stop-gained (nonsense): predicted to result in a loss or disruption of normal protein function through nonsense-mediated decay (NMD) or protein truncation. Multiple pathogenic variants are reported downstream of the variant. The variant was homozygous . Therefore, this variant is classified as Pathogenic according to the recommendation of ACMG/AMP guideline.